The following is an entry in ClinVar:

NM_001370259.2(MEN1):c.218G>A (p.Gly73Asp)

Gene: MEN1 (menin 1; minus strand). Cytogenetic location: 11q13.1.
Variant type: single nucleotide variant.
Coding change: c.218G>A on transcript NM_001370259.2 (MANE Select); coding-DNA position 218, G replaced by A.
Protein change: p.Gly73Asp; replaces glycine 73 with aspartic acid.
Molecular consequence: missense variant. On other transcripts: non-coding transcript variant (4).
Genome position (GRCh38, 1-based): chr11:64,809,892, C>T on the plus strand (G>A on the coding strand, the complement: MEN1 is on the minus strand). VCF-style: chr11-64809892-C-T. GRCh37 (hg19) VCF-style: chr11-64577364-C-T.
Other names: c.218G>A, p.Gly73Asp (NM_000244.4, NM_001370251.2, NM_001370260.2 and 20 more transcripts); short protein forms G73D.
Identifiers: ClinVar variation 3634215 (VCV003634215.2).

ClinVar aggregate classification (germline): Uncertain significance (1 of 4 stars; one submission).

Conditions:
Multiple endocrine neoplasia, type 1 (MEN1). Also called: MEN I; WERMER SYNDROME; Endocrine adenomatosis multiple; MEN 1; MEA I. Identifiers: Orphanet 652, MedGen C0025267, MeSH D018761, MONDO:0007540, OMIM 131100.

gnomAD v4.1: 1 of 1,595,006 alleles (0.000063%); highest among the groups gnomAD compares: Non-Finnish European, 0.000085%; no homozygotes.

Submission:

Labcorp Genetics (formerly Invitae), Labcorp
Classification: Uncertain significance for Multiple endocrine neoplasia, type 1. Last evaluated: 2025-11-17. Review status: criteria provided, single submitter. Criteria: Invitae Variant Classification Sherloc (09022015). Collection method: clinical testing. Allele origin: germline.
Comment: This sequence change replaces glycine, which is neutral and non-polar, with aspartic acid, which is acidic and polar, at codon 73 of the MEN1 protein (p.Gly73Asp). The frequency data for this variant in the population databases is considered unreliable, as metrics indicate poor data quality at this position in the gnomAD database. This variant has not been reported in the literature in individuals affected with MEN1-related conditions. ClinVar contains an entry for this variant (Variation ID: 3634215). Invitae Evidence Modeling of protein sequence and biophysical properties (such as structural, functional, and spatial information, amino acid conservation, physicochemical variation, residue mobility, and thermodynamic stability) indicates that this missense variant is not expected to disrupt MEN1 protein function with a negative predictive value of 95%. In summary, the available evidence is currently insufficient to determine the role of this variant in disease. Therefore, it has been classified as a Variant of Uncertain Significance.